The following is an entry in ClinVar:

ClinVar aggregate classification (germline): Uncertain significance (1 of 4 stars; one submission).

Submission:

Labcorp Genetics (formerly Invitae), Labcorp
Classification: Uncertain significance. Last evaluated: 2022-02-20. Review status: criteria provided, single submitter. Criteria: Invitae Variant Classification Sherloc (09022015). Collection method: clinical testing. Allele origin: germline.
Comment: This variant, c.575_577del, results in the deletion of 1 amino acid(s) of the ADAMTS17 protein (p.Ala192del), but otherwise preserves the integrity of the reading frame. This variant is present in population databases (rs779092943, gnomAD 0.02%). This variant has not been reported in the literature in individuals affected with ADAMTS17-related conditions. Experimental studies and prediction algorithms are not available or were not evaluated, and the functional significance of this variant is currently unknown. In summary, the available evidence is currently insufficient to determine the role of this variant in disease. Therefore, it has been classified as a Variant of Uncertain Significance.

NM_139057.4(ADAMTS17):c.572CTG[1] (p.Ala192del)

Gene: ADAMTS17 (ADAM metallopeptidase with thrombospondin type 1 motif 17; minus strand). Cytogenetic location: 15q26.3.
Variant type: Microsatellite.
Coding change: c.572CTG[1] on transcript NM_139057.4 (MANE Select); one copy of the 3-base unit CTG starting at c.572; the reference has two copies in a row; one copy, 3 bases deleted.
Protein change: p.Ala192del; deletes alanine 192.
Molecular consequence: inframe deletion.
Genome position (GRCh38, 1-based): chr15:100,330,928-100,330,930, CAG deleted on the plus strand (CTG on the coding strand, the reverse complement: ADAMTS17 is on the minus strand); deleting any 3 consecutive bases within chr15:100,330,928-100,330,933 gives the same sequence; the position shown is the placement nearest the transcript's 3' end. VCF-style (leftmost placement, unchanged base first): chr15-100330927-TCAG-T. GRCh37 (hg19) VCF-style: chr15-100871132-TCAG-T.
Other names: short protein forms A192del.
Identifiers: ClinVar variation 2149530 (VCV002149530.1), dbSNP rs779092943, ClinGen allele CA7758689.